The following is an entry in ClinVar:

ClinVar aggregate classification (germline): Uncertain significance (1 of 4 stars; one submission).

Conditions:
Hereditary cancer-predisposing syndrome. Also called: Neoplastic Syndromes, Hereditary; Tumor predisposition; Hereditary Cancer Syndrome; Hereditary neoplastic syndrome. Identifiers: Orphanet 140162, MedGen C0027672, MeSH D009386, MONDO:0015356.

gnomAD v4.1: 2 of 1,184,864 alleles (0.00017%); highest among the groups gnomAD compares: Non-Finnish European, 0.00021%; no homozygotes.

Submission:

Ambry Genetics
Classification: Uncertain significance for Hereditary cancer-predisposing syndrome. Last evaluated: 2024-07-06. Review status: criteria provided, single submitter. Criteria: Ambry Variant Classification Scheme 2023. Collection method: clinical testing. Allele origin: germline.
Comment: The p.A242S variant (also known as c.724G>T), located in coding exon 3 of the PHOX2B gene, results from a G to T substitution at nucleotide position 724. The alanine at codon 242 is replaced by serine, an amino acid with similar properties. This amino acid position is conserved. In addition, this alteration is predicted to be tolerated by in silico analysis. Based on the available evidence, the clinical significance of this variant remains unclear.

NM_003924.4(PHOX2B):c.724G>T (p.Ala242Ser)

Genes: PHOX2B (paired like homeobox 2B; minus strand), LOC110011216 (paired like homeobox 2b polyalanine repeat instability region; plus strand). Cytogenetic location: 4p13.
Variant type: single nucleotide variant.
Coding change: c.724G>T on transcript NM_003924.4 (MANE Select); coding-DNA position 724, G replaced by T.
Protein change: p.Ala242Ser; replaces alanine 242 with serine.
Molecular consequence: missense variant.
Genome position (GRCh38, 1-based): chr4:41,746,028, C>A on the plus strand (G>T on the coding strand, the complement: PHOX2B is on the minus strand). VCF-style: chr4-41746028-C-A. GRCh37 (hg19) VCF-style: chr4-41748045-C-A.
Other names: short protein forms A242S.
Identifiers: ClinVar variation 3417923 (VCV003417923.1).